The following is an entry in ClinVar:

NM_000038.6(APC):c.4657G>T (p.Ala1553Ser)

Gene: APC (APC regulator of Wnt signaling pathway; plus strand). Cytogenetic location: 5q22.2.
Variant type: single nucleotide variant.
Coding change: c.4657G>T on transcript NM_000038.6 (MANE Select); coding-DNA position 4657, G replaced by T.
Protein change: p.Ala1553Ser; replaces alanine 1553 with serine.
Molecular consequence: missense variant.
Genome position (GRCh38, 1-based): chr5:112,840,251, G>T. VCF-style: chr5-112840251-G-T. GRCh37 (hg19) VCF-style: chr5-112175948-G-T.
Other names: c.4657G>T, p.Ala1553Ser (NM_001127510.3, NM_001354895.2, NM_001407450.1); c.4603G>T, p.Ala1535Ser (NM_001127511.3); c.4711G>T, p.Ala1571Ser (NM_001354896.2, NM_001407447.1, NM_001407448.1 and 1 more transcripts); c.4687G>T, p.Ala1563Ser (NM_001354897.2); c.4582G>T, p.Ala1528Ser (NM_001354898.2); c.4573G>T, p.Ala1525Ser (NM_001354899.2); c.4534G>T, p.Ala1512Ser (NM_001354900.2); c.4480G>T, p.Ala1494Ser (NM_001354901.2, NM_001407453.1); and 11 more; short protein forms A1427S, A1462S, A1546S, A1571S, A1581S, A1169S, A1270S, A1393S.
Identifiers: ClinVar variation 1742214 (VCV001742214.5), dbSNP rs1554086047, ClinGen allele CA16031541.

ClinVar aggregate classification (germline): Uncertain significance. Review status: criteria provided, multiple submitters, no conflicts (2 of 4 stars). 2 submissions from 2 submitters: Uncertain significance (2). Last evaluated 2024-01-10.

Conditions:
Hereditary cancer-predisposing syndrome. Also called: Hereditary Cancer Syndrome; Hereditary neoplastic syndrome; Neoplastic Syndromes, Hereditary; Tumor predisposition. Identifiers: Orphanet 140162, MedGen C0027672, MeSH D009386, MONDO:0015356.
Familial adenomatous polyposis 1 (FAP1). Also called: FAMILIAL ADENOMATOUS POLYPOSIS 1, ATTENUATED; POLYPOSIS, ADENOMATOUS INTESTINAL. Identifiers: MedGen C2713442, MONDO:0021056, OMIM 175100. Disease mechanism: loss of function.

Submissions (2):

Ambry Genetics
Classification: Uncertain significance for Hereditary cancer-predisposing syndrome. Last evaluated: 2024-01-10. Review status: criteria provided, single submitter. Criteria: Ambry Variant Classification Scheme 2023. Collection method: clinical testing. Allele origin: germline.
Comment: The p.A1553S variant (also known as c.4657G>T), located in coding exon 15 of the APC gene, results from a G to T substitution at nucleotide position 4657. The alanine at codon 1553 is replaced by serine, an amino acid with similar properties. This amino acid position is conserved. In addition, in silico predictors for this gene do not accurately predict pathogenicity. Since supporting evidence is limited at this time, the clinical significance of this alteration remains unclear.

Labcorp Genetics (formerly Invitae), Labcorp
Classification: Uncertain significance for Familial adenomatous polyposis 1. Last evaluated: 2023-09-03. Review status: criteria provided, single submitter. Criteria: Invitae Variant Classification Sherloc (09022015). Collection method: clinical testing. Allele origin: germline.
Comment: In summary, the available evidence is currently insufficient to determine the role of this variant in disease. Therefore, it has been classified as a Variant of Uncertain Significance. Advanced modeling of protein sequence and biophysical properties (such as structural, functional, and spatial information, amino acid conservation, physicochemical variation, residue mobility, and thermodynamic stability) performed at Invitae indicates that this missense variant is not expected to disrupt APC protein function. ClinVar contains an entry for this variant (Variation ID: 1742214). This variant has not been reported in the literature in individuals affected with APC-related conditions. This variant is not present in population databases (gnomAD no frequency). This sequence change replaces alanine, which is neutral and non-polar, with serine, which is neutral and polar, at codon 1553 of the APC protein (p.Ala1553Ser).